The following is an entry in ClinVar:

ClinVar aggregate classification (germline): Uncertain significance (0 of 4 stars; one submission).

Conditions:
Prostate cancer. Also called: Malignant tumor of prostate. Identifiers: Orphanet 1331, MedGen C0376358, MONDO:0008315, HP:0012125.

Allele frequency attached by ClinVar (database versions not stated): gnomAD 0.00001; TOPMed 0.00001; gnomAD exomes 0.00001; ExAC 0.00001.
gnomAD v4.1: 10 of 1,614,018 alleles (0.00062%); highest among the groups gnomAD compares: African/African-American, 0.0027%; no homozygotes.

Submission:

Science for Life laboratory,  Karolinska Institutet
Classification: Uncertain significance for Malignant tumor of prostate. Review status: no assertion criteria provided. Collection method: not provided. Allele origin: somatic.
Comment: TumorID:SWE-4
ClinVar note: Converted during submission from Unknown to Uncertain significance.

NM_022785.4(EFCAB6):c.314C>T (p.Pro105Leu)

Gene: EFCAB6 (EF-hand calcium binding domain 6; minus strand). Cytogenetic location: 22q13.2.
Variant type: single nucleotide variant.
Coding change: c.314C>T on transcript NM_022785.4 (MANE Select); coding-DNA position 314, C replaced by T.
Protein change: p.Pro105Leu; replaces proline 105 with leucine.
Molecular consequence: missense variant. On other transcripts: intron variant (1).
Genome position (GRCh38, 1-based): chr22:43,772,929, G>A on the plus strand (C>T on the coding strand, the complement: EFCAB6 is on the minus strand). VCF-style: chr22-43772929-G-A. GRCh37 (hg19) VCF-style: chr22-44168809-G-A.
Other names: c.-105-7536C>T (NM_198856.3); short protein forms P105L.
Identifiers: ClinVar variation 161763 (VCV000161763.2), dbSNP rs193920984, ClinGen allele CA174740.